The following is an entry in ClinVar:

ClinVar aggregate classification (germline): Likely benign. Review status: criteria provided, multiple submitters, no conflicts (2 of 4 stars). 4 submissions from 4 submitters: Likely benign (3). 1 of the submissions does not count toward it. Last evaluated 2025-09-30.

Conditions:
PIEZO1-related disorder. Also called: PIEZO1-Related Disorders; PIEZO1-related condition.

Allele frequency attached by ClinVar (database versions not stated): ExAC 0.00010; gnomAD exomes 0.00028; 1000 Genomes Project 30x 0.00062; gnomAD 0.00070 and 0.00076; TOPMed 0.00080.
gnomAD v4.1: 191 of 1,502,088 alleles (0.013%); highest among the groups gnomAD compares: African/African-American, 0.22%; no homozygotes.

Submissions (5):

Mayo Clinic Laboratories, Mayo Clinic
Classification: Likely benign. Last evaluated: 2025-09-30. Review status: criteria provided, single submitter. Criteria: ACMG Guidelines, 2015. Collection method: clinical testing. Allele origin: germline. Observed: 4 variant alleles.
Comment: BP4, BP7

ARUP Laboratories, Molecular Genetics and Genomics, ARUP Laboratories
Classification: Likely benign. Last evaluated: 2025-04-17. Review status: criteria provided, single submitter. Criteria: ARUP Molecular Germline Variant Investigation Process 2024. Collection method: clinical testing. Allele origin: germline.

Labcorp Genetics (formerly Invitae), Labcorp
Classification: Likely benign. Last evaluated: 2025-03-05. Review status: criteria provided, single submitter. Criteria: Invitae Variant Classification Sherloc (09022015). Collection method: clinical testing. Allele origin: germline.

PreventionGenetics, part of Exact Sciences
Classification: Likely benign for PIEZO1-related condition. Last evaluated: 2022-12-20. Review status: no assertion criteria provided. Collection method: clinical testing. Allele origin: germline. Not counted in ClinVar's aggregate classification.
Comment: This variant is classified as likely benign based on ACMG/AMP sequence variant interpretation guidelines (Richards et al. 2015 PMID: 25741868, with internal and published modifications).

Dr. Peter K. Rogan Lab, Western University
No classification provided (evidence only). Condition: Cervical cancer. Review status: no classification provided. Collection method: in vitro. Allele origin: not applicable. Functional consequence: retained intron. Not counted in ClinVar's aggregate classification.

NM_001142864.4(PIEZO1):c.7129+3G>A

Gene: PIEZO1 (piezo type mechanosensitive ion channel component 1 (Er blood group); minus strand). Cytogenetic location: 16q24.3.
Variant type: single nucleotide variant.
Coding change: c.7129+3G>A on transcript NM_001142864.4 (MANE Select); 3 bases into the intron after coding-DNA position 7129, G replaced by A.
Molecular consequence: intron variant.
Genome position (GRCh38, 1-based): chr16:88,716,195, C>T on the plus strand (G>A on the coding strand, the complement: PIEZO1 is on the minus strand). VCF-style: chr16-88716195-C-T. GRCh37 (hg19) VCF-style: chr16-88782603-C-T.
Other names: p.?; c.7129+3G>A (NM_001142864.3).
Identifiers: ClinVar variation 1331001 (VCV001331001.16), dbSNP rs767465849, ClinGen allele CA8231408.
Genomic context (GRCh38, chr16:88,716,195, plus strand): 5'-AAGATCGTTGAGGCCGCAGGTCACCCCTCTCTAGCCTCCCCCAACCCCCACGCCCATACT[C>T]ACTGGGCTGCAGCTGCTTCACAGGGTTGGCTTCGGGCCCGTTGGGGGCACGGATGTACTT-3'